The following is an entry in ClinVar:

NM_000426.4(LAMA2):c.113-2A>G

Gene: LAMA2 (laminin subunit alpha 2; plus strand). Cytogenetic location: 6q22.33.
Variant type: single nucleotide variant.
Coding change: c.113-2A>G on transcript NM_000426.4 (MANE Select); the canonical splice acceptor site of the intron before coding-DNA position 113, A replaced by G.
Molecular consequence: splice acceptor variant.
Genome position (GRCh38, 1-based): chr6:129,049,916, A>G. VCF-style: chr6-129049916-A-G. GRCh37 (hg19) VCF-style: chr6-129371061-A-G.
Other names: c.113-2A>G (NM_001079823.2).
Identifiers: ClinVar variation 1973508 (VCV001973508.5), dbSNP rs2482237307, ClinGen allele CA365828387.

ClinVar aggregate classification (germline): Likely pathogenic (1 of 4 stars; one submission).

Conditions:
LAMA2-related muscular dystrophy (LAMA2-RD). Also called: Laminin alpha 2-related dystrophy. Identifiers: MedGen C5679788, MONDO:0100228.

Submission:

Labcorp Genetics (formerly Invitae), Labcorp
Classification: Likely pathogenic for LAMA2-related muscular dystrophy. Last evaluated: 2022-07-25. Review status: criteria provided, single submitter. Criteria: Invitae Variant Classification Sherloc (09022015). Collection method: clinical testing. Allele origin: germline.
Comment: In summary, the currently available evidence indicates that the variant is pathogenic, but additional data are needed to prove that conclusively. Therefore, this variant has been classified as Likely Pathogenic. Algorithms developed to predict the effect of sequence changes on RNA splicing suggest that this variant may disrupt the consensus splice site. This variant has not been reported in the literature in individuals affected with LAMA2-related conditions. This variant is not present in population databases (gnomAD no frequency). This sequence change affects an acceptor splice site in intron 1 of the LAMA2 gene. It is expected to disrupt RNA splicing. Variants that disrupt the donor or acceptor splice site typically lead to a loss of protein function (PMID: 16199547), and loss-of-function variants in LAMA2 are known to be pathogenic (PMID: 18700894, 32904964).

Literature cited by the submitters: PubMed 16199547; PubMed 18700894; PubMed 32904964.